The following is an entry in ClinVar:

ClinVar aggregate classification (germline): Uncertain significance (1 of 4 stars; one submission).

Conditions:
Lowe syndrome (OCRL). Also called: LOWE OCULOCEREBRORENAL SYNDROME; PHOSPHATIDYLINOSITOL 4,5-BISPHOSPHATE 5-PHOSPHATASE DEFICIENCY; Oculocerebrorenal Syndrome. Identifiers: Orphanet 534, MedGen C0028860, MONDO:0010645, OMIM 309000.

Submission:

Labcorp Genetics (formerly Invitae), Labcorp
Classification: Uncertain significance for Lowe syndrome. Last evaluated: 2025-11-17. Review status: criteria provided, single submitter. Criteria: Invitae Variant Classification Sherloc (09022015). Collection method: clinical testing. Allele origin: germline.
Comment: This sequence change replaces alanine, which is neutral and non-polar, with valine, which is neutral and non-polar, at codon 29 of the OCRL protein (p.Ala29Val). This variant is present in population databases (rs769711342, gnomAD 0.001%). This variant has not been reported in the literature in individuals affected with OCRL-related conditions. Invitae Evidence Modeling of protein sequence and biophysical properties (such as structural, functional, and spatial information, amino acid conservation, physicochemical variation, residue mobility, and thermodynamic stability) indicates that this missense variant is not expected to disrupt OCRL protein function with a negative predictive value of 95%. In summary, the available evidence is currently insufficient to determine the role of this variant in disease. Therefore, it has been classified as a Variant of Uncertain Significance.

NM_000276.4(OCRL):c.86C>T (p.Ala29Val)

Gene: OCRL (OCRL inositol polyphosphate-5-phosphatase; plus strand). Cytogenetic location: Xq26.1.
Variant type: single nucleotide variant.
Coding change: c.86C>T on transcript NM_000276.4 (MANE Select); coding-DNA position 86, C replaced by T.
Protein change: p.Ala29Val; replaces alanine 29 with valine.
Molecular consequence: missense variant.
Genome position (GRCh38, 1-based): chrX:129,540,790, C>T. VCF-style: chrX-129540790-C-T. GRCh37 (hg19) VCF-style: chrX-128674767-C-T.
Other names: c.89C>T, p.Ala30Val (NM_001318784.2); c.86C>T, p.Ala29Val (NM_001587.4); short protein forms A29V, A30V.
Identifiers: ClinVar variation 4799617 (VCV004799617.1).
Genomic context (GRCh38, chrX:129,540,790, plus strand): 5'-ACTAGCGCCCGCATACTGTCGAGGGTATGGAGATGAAGGGTCCTCTCCGGGAGCCCTGCG[C>T]CCTGACCCTAGCCCAGAGGAACGGGCAATATGAGTAAGTAACCACCTGATTCCCACAGAG-3'
Protein context (NP_000267.2, residues 19-39): EMKGPLREPC[Ala29Val]LTLAQRNGQY